The following is an entry in ClinVar:

ClinVar aggregate classification (germline): Likely pathogenic. Review status: criteria provided, multiple submitters, no conflicts (2 of 4 stars). 4 submissions from 4 submitters: Likely pathogenic (4). Last evaluated 2025-07-03.

Conditions:
Cardiovascular phenotype. Identifiers: MedGen CN230736.
Dilated cardiomyopathy 1G (CMD1G). Identifiers: Orphanet 154, MedGen C1858763, MONDO:0011400, OMIM 604145.
Autosomal recessive limb-girdle muscular dystrophy type 2J (LGMDR10). Also called: Limb-girdle muscular dystrophy, type 2J; MUSCULAR DYSTROPHY, LIMB-GIRDLE, AUTOSOMAL RECESSIVE 10. Identifiers: Orphanet 140922, MedGen C1837342, MONDO:0012127, OMIM 608807.

gnomAD v4.1: 4 of 1,612,258 alleles (0.00025%); highest among the groups gnomAD compares: South Asian, 0.0011%; no homozygotes.

Submissions (4):

Labcorp Genetics (formerly Invitae), Labcorp
Classification: Likely pathogenic for Dilated cardiomyopathy 1G; Autosomal recessive limb-girdle muscular dystrophy type 2J. Last evaluated: 2025-07-03. Review status: criteria provided, single submitter. Criteria: Invitae Variant Classification Sherloc (09022015). Collection method: clinical testing. Allele origin: germline.
Comment: This sequence change creates a premature translational stop signal (p.Arg16167*) in the TTN gene. While this is not anticipated to result in nonsense mediated decay, it is expected to create a truncated TTN protein. This variant is present in population databases (no rsID available, gnomAD 0.003%). This variant has not been reported in the literature in individuals affected with TTN-related conditions. ClinVar contains an entry for this variant (Variation ID: 947169). Algorithms developed to predict the effect of sequence changes on RNA splicing suggest that this variant may disrupt the consensus splice site. This variant is located in the A band of TTN (PMID: 25589632). Truncating variants in this region are significantly overrepresented in patients affected with dilated cardiomyopathy (PMID: 25589632). Truncating variants in this region have also been reported in individuals affected with autosomal recessive centronuclear myopathy (PMID: 23975875). In summary, the currently available evidence indicates that the variant is pathogenic, but additional data are needed to prove that conclusively. Therefore, this variant has been classified as Likely Pathogenic.

Molecular Diagnostic Laboratory for Inherited Cardiovascular Disease, Montreal Heart Institute
Classification: Likely pathogenic for Cardiovascular phenotype. Last evaluated: 2024-08-22. Review status: criteria provided, single submitter. Criteria: ACMG Guidelines, 2015. Collection method: clinical testing. Allele origin: germline. Affected: yes.
Comment: PVS1, PM2

Ambry Genetics
Classification: Likely pathogenic for Cardiovascular phenotype. Last evaluated: 2023-10-27. Review status: criteria provided, single submitter. Criteria: Ambry Variant Classification Scheme 2023. Collection method: clinical testing. Allele origin: germline.
Comment: The p.R7102* variant (also known as c.21304C>T), located in coding exon 86 of the TTN gene, results from a C to T substitution at nucleotide position 21304. This changes the amino acid from an arginine to a stop codon within coding exon 86. This exon is located in the A-band region of the N2-B isoform of the titin protein and is constitutively expressed in TTN transcripts (percent spliced in or PSI 100%). This variant is considered to be rare based on population cohorts in the Genome Aggregation Database (gnomAD). This alteration is expected to result in loss of function by premature protein truncation or nonsense-mediated mRNA decay. While truncating variants in TTN are present in 1-3% of the general population, truncating variants in the A-band are the most common cause of dilated cardiomyopathy (DCM) (Herman DS et al. N. Engl. J. Med., 2012 Feb;366:619-28; Roberts AM et al. Sci Transl Med, 2015 Jan;7:270ra6). TTN truncating variants encoded in constitutive exons (PSI >90%) have been found to be significantly associated with DCM regardless of their position in titin (Schafer S et al. Nat. Genet., 2017 01;49:46-53). Based on the majority of available evidence to date, this variant is likely to be pathogenic.

CeGaT Center for Human Genetics Tuebingen
Classification: Likely pathogenic. Last evaluated: 2021-06-01. Review status: criteria provided, single submitter. Criteria: CeGaT Center For Human Genetics Tuebingen Variant Classification Criteria Version 2. Collection method: clinical testing. Allele origin: germline. Affected: yes. Observed: 1 variant allele.

Literature cited by the submitters: PubMed 25589632 (cited by Labcorp Genetics (formerly Invitae), Labcorp); PubMed 23975875 (cited by Labcorp Genetics (formerly Invitae), Labcorp).

NM_001267550.2(TTN):c.48499C>T (p.Arg16167Ter)

Genes: TTN (titin; minus strand), TTN-AS1 (TTN antisense RNA 1; plus strand). Cytogenetic location: 2q31.2.
Variant type: single nucleotide variant.
Coding change: c.48499C>T on transcript NM_001267550.2 (MANE Select); coding-DNA position 48499, C replaced by T.
Protein change: p.Arg16167Ter; replaces arginine 16167 with a stop codon.
Molecular consequence: nonsense.
Genome position (GRCh38, 1-based): chr2:178,615,446, G>A on the plus strand (C>T on the coding strand, the complement: TTN is on the minus strand). VCF-style: chr2-178615446-G-A. GRCh37 (hg19) VCF-style: chr2-179480173-G-A.
Other names: c.43576C>T, p.Arg14526Ter (NM_001256850.1); c.21304C>T, p.Arg7102Ter (NM_003319.4); c.40795C>T, p.Arg13599Ter (NM_133378.4); c.21679C>T, p.Arg7227Ter (NM_133432.3); c.21880C>T, p.Arg7294Ter (NM_133437.4); short protein forms R14526*, R7102*, R13599*, R7294*, R16167*, R7227*.
Identifiers: ClinVar variation 947169 (VCV000947169.45), dbSNP rs1312425985, ClinGen allele CA349609324.